The following is an entry in ClinVar:

NM_006297.3(XRCC1):c.1311C>T (p.Thr437=)

Gene: XRCC1 (X-ray repair cross complementing 1; minus strand). Cytogenetic location: 19q13.31.
Variant type: single nucleotide variant.
Coding change: c.1311C>T on transcript NM_006297.3 (MANE Select); coding-DNA position 1311, C replaced by T.
Protein change: p.Thr437=; no amino-acid change (threonine 437 retained).
Molecular consequence: synonymous variant.
Genome position (GRCh38, 1-based): chr19:43,546,710, G>A on the plus strand (C>T on the coding strand, the complement: XRCC1 is on the minus strand). VCF-style: chr19-43546710-G-A. GRCh37 (hg19) VCF-style: chr19-44050862-G-A.
Identifiers: ClinVar variation 3905912 (VCV003905912.10).

ClinVar aggregate classification (germline): Likely benign (1 of 4 stars; one submission).

Submission:

CeGaT Center for Human Genetics Tuebingen
Classification: Likely benign. Last evaluated: 2025-05-01. Review status: criteria provided, single submitter. Criteria: CeGaT Center For Human Genetics Tuebingen Variant Classification Criteria Version 2. Collection method: clinical testing. Allele origin: germline. Affected: yes. Observed: 1 variant allele.
Comment: XRCC1: PM2:Supporting, BP4, BP7